The following is an entry in ClinVar:

ClinVar aggregate classification (germline): Uncertain significance (1 of 4 stars; one submission).

Conditions:
KIZ-related disorder. Also called: KIZ-related condition.

gnomAD v4.1: 1 of 1,596,018 alleles (0.000063%); highest among the groups gnomAD compares: Non-Finnish European, 0.000086%; no homozygotes.

Submission:

PreventionGenetics, part of Exact Sciences
Classification: Uncertain significance for KIZ-related condition. Last evaluated: 2024-12-19. Review status: criteria provided, single submitter. Criteria: ACMG Guidelines, 2015. Collection method: clinical testing. Allele origin: germline.
Comment: The KIZ c.1822G>A variant is predicted to result in the amino acid substitution p.Ala608Thr. To our knowledge, this variant has not been reported in the literature or in a large population database, indicating that this variant is rare. This variant is interpreted as likely benign.

NM_018474.6(KIZ):c.1822G>A (p.Ala608Thr)

Gene: KIZ (kizuna centrosomal protein; plus strand). Cytogenetic location: 20p11.23.
Variant type: single nucleotide variant.
Coding change: c.1822G>A on transcript NM_018474.6 (MANE Select); coding-DNA position 1822, G replaced by A.
Protein change: p.Ala608Thr; replaces alanine 608 with threonine.
Molecular consequence: missense variant.
Genome position (GRCh38, 1-based): chr20:21,232,772, G>A. VCF-style: chr20-21232772-G-A. GRCh37 (hg19) VCF-style: chr20-21213410-G-A.
Other names: c.1513G>A, p.Ala505Thr (NM_001163022.3); c.1423G>A, p.Ala475Thr (NM_001163023.3); c.1675G>A, p.Ala559Thr (NM_001276389.2); c.1768G>A, p.Ala590Thr (NM_001352434.2); c.1459G>A, p.Ala487Thr (NM_001352435.2); c.1480G>A, p.Ala494Thr (NM_001352436.2); short protein forms A559T, A475T, A487T, A590T, A494T, A608T, A505T.
Identifiers: ClinVar variation 4999010 (VCV004999010.1).